The following is an entry in ClinVar:

NM_020461.4(TUBGCP6):c.3462_3469dup (p.Arg1157fs)

Gene: TUBGCP6 (tubulin gamma complex component 6; minus strand). Cytogenetic location: 22q13.33.
Variant type: Duplication.
Coding change: c.3462_3469dup on transcript NM_020461.4 (MANE Select); coding-DNA positions 3462 to 3469, 8 bases duplicated (CCGGCCAC; older notation c.3462_3469dupCCGGCCAC).
Protein change: p.Arg1157fs; shifts the reading frame from arginine 1157.
Molecular consequence: frameshift variant.
Genome position (GRCh38, 1-based): chr22:50,220,890-50,220,897, GTGGCCGG duplicated on the plus strand (CCGGCCAC on the coding strand, the reverse complement: TUBGCP6 is on the minus strand); duplicating any 8 consecutive bases within chr22:50,220,890-50,220,901 gives the same sequence; the c. name uses the placement nearest the transcript's 3' end. VCF-style (leftmost placement, unchanged base first): chr22-50220889-C-CGTGGCCGG. GRCh37 (hg19) VCF-style: chr22-50659318-C-CGTGGCCGG.
Other names: short protein forms R1157fs.
Identifiers: ClinVar variation 2631185 (VCV002631185.1), dbSNP rs2519135002, ClinGen allele CA2657502748.

ClinVar aggregate classification (germline): Likely pathogenic (1 of 4 stars; one submission).

Conditions:
TUBGCP6-related disorder. Also called: TUBGCP6-related condition.

Submission:

PreventionGenetics, part of Exact Sciences
Classification: Likely pathogenic for TUBGCP6-related condition. Last evaluated: 2023-08-22. Review status: criteria provided, single submitter. Criteria: ACMG Guidelines, 2015. Collection method: clinical testing. Allele origin: germline.
Comment: The TUBGCP6 c.3462_3469dup8 variant is predicted to result in a frameshift and premature protein termination (p.Arg1157Profs*170). To our knowledge, this variant has not been reported in the literature or in a large population database, indicating this variant is rare. Frameshift variants in TUBGCP6 are expected to be pathogenic. This variant is interpreted as likely pathogenic.